The following is an entry in ClinVar:

NM_000170.3(GLDC):c.2736C>G (p.Asp912Glu)

Gene: GLDC (glycine decarboxylase; minus strand). Cytogenetic location: 9p24.1.
Variant type: single nucleotide variant.
Coding change: c.2736C>G on transcript NM_000170.3 (MANE Select); coding-DNA position 2736, C replaced by G.
Protein change: p.Asp912Glu; replaces aspartic acid 912 with glutamic acid.
Molecular consequence: missense variant.
Genome position (GRCh38, 1-based): chr9:6,536,166, G>C on the plus strand (C>G on the coding strand, the complement: GLDC is on the minus strand). VCF-style: chr9-6536166-G-C. GRCh37 (hg19) VCF-style: chr9-6536166-G-C.
Other names: short protein forms D912E.
Identifiers: ClinVar variation 2125531 (VCV002125531.4), dbSNP rs2489011465, ClinGen allele CA372882750.

ClinVar aggregate classification (germline): Uncertain significance (1 of 4 stars; one submission).

Conditions:
Glycine encephalopathy. Also called: Non-ketotic hyperglycinemia; Nonketotic hyperglycinemia. Identifiers: Orphanet 407, MedGen C0751748, MONDO:0011612, HP:0008288.

Allele frequency attached by ClinVar (database versions not stated): gnomAD exomes below 0.00001.
gnomAD v4.1: 6 of 1,614,010 alleles (0.00037%); highest among the groups gnomAD compares: Non-Finnish European, 0.00051%; no homozygotes.

Submission:

Labcorp Genetics (formerly Invitae), Labcorp
Classification: Uncertain significance for Glycine encephalopathy. Last evaluated: 2022-04-12. Review status: criteria provided, single submitter. Criteria: Invitae Variant Classification Sherloc (09022015). Collection method: clinical testing. Allele origin: germline.
Comment: In summary, the available evidence is currently insufficient to determine the role of this variant in disease. Therefore, it has been classified as a Variant of Uncertain Significance. Algorithms developed to predict the effect of missense changes on protein structure and function are either unavailable or do not agree on the potential impact of this missense change (SIFT: "Deleterious"; PolyPhen-2: "Probably Damaging"; Align-GVGD: "Class C0"). This variant has not been reported in the literature in individuals affected with GLDC-related conditions. This variant is not present in population databases (gnomAD no frequency). This sequence change replaces aspartic acid, which is acidic and polar, with glutamic acid, which is acidic and polar, at codon 912 of the GLDC protein (p.Asp912Glu).